The following is an entry in ClinVar:

ClinVar aggregate classification (germline): Uncertain significance. Review status: criteria provided, multiple submitters, no conflicts (2 of 4 stars). 2 submissions from 2 submitters: Uncertain significance (2). Last evaluated 2025-10-13.

Conditions:
TMEM67-related disorder. Also called: TMEM67-related condition; TMEM67-related disorders. Identifiers: MedGen CN239423.
Joubert syndrome. Also called: Familial aplasia of the vermis; JOUBERT-BOLTSHAUSER SYNDROME. Identifiers: Orphanet 475, MedGen C5979921, MONDO:0018772.
Meckel-Gruber syndrome. Also called: Dysencephalia splachnocystica; DYSENCEPHALIA SPLANCHNOCYSTICA; GRUBER SYNDROME. Identifiers: Orphanet 564, MedGen C0265215, MONDO:0018921.

gnomAD v4.1: 1 of 1,568,666 alleles (0.000064%); highest among the groups gnomAD compares: Non-Finnish European, 0.000087%; no homozygotes.

Submissions (2):

PreventionGenetics, part of Exact Sciences
Classification: Uncertain significance for TMEM67-related condition. Last evaluated: 2025-10-13. Review status: criteria provided, single submitter. Criteria: ACMG Guidelines, 2015. Collection method: clinical testing. Allele origin: germline.
Comment: The TMEM67 c.2774A>T variant is predicted to result in the amino acid substitution p.Tyr925Phe. To our knowledge, this variant has not been reported in the literature. This variant is reported in 0.0011% of alleles in individuals of European (Non-Finnish) descent in gnomAD. At this time, the clinical significance of this variant is uncertain due to the absence of conclusive functional and genetic evidence.

Labcorp Genetics (formerly Invitae), Labcorp
Classification: Uncertain significance for Joubert syndrome; Meckel-Gruber syndrome. Last evaluated: 2022-08-22. Review status: criteria provided, single submitter. Criteria: Invitae Variant Classification Sherloc (09022015). Collection method: clinical testing. Allele origin: germline.
Comment: In summary, the available evidence is currently insufficient to determine the role of this variant in disease. Therefore, it has been classified as a Variant of Uncertain Significance. Algorithms developed to predict the effect of sequence changes on RNA splicing suggest that this variant may create or strengthen a splice site. Advanced modeling of protein sequence and biophysical properties (such as structural, functional, and spatial information, amino acid conservation, physicochemical variation, residue mobility, and thermodynamic stability) performed at Invitae indicates that this missense variant is not expected to disrupt TMEM67 protein function. ClinVar contains an entry for this variant (Variation ID: 1500583). This variant has not been reported in the literature in individuals affected with TMEM67-related conditions. This variant is present in population databases (no rsID available, gnomAD 0.001%). This sequence change replaces tyrosine, which is neutral and polar, with phenylalanine, which is neutral and non-polar, at codon 925 of the TMEM67 protein (p.Tyr925Phe).

NM_153704.6(TMEM67):c.2774A>T (p.Tyr925Phe)

Gene: TMEM67 (transmembrane protein 67; plus strand). Cytogenetic location: 8q22.1.
Variant type: single nucleotide variant.
Coding change: c.2774A>T on transcript NM_153704.6 (MANE Select); coding-DNA position 2774, A replaced by T.
Protein change: p.Tyr925Phe; replaces tyrosine 925 with phenylalanine.
Molecular consequence: missense variant. On other transcripts: non-coding transcript variant (1).
Genome position (GRCh38, 1-based): chr8:93,815,314, A>T. VCF-style: chr8-93815314-A-T. GRCh37 (hg19) VCF-style: chr8-94827542-A-T.
Other names: c.2531A>T, p.Tyr844Phe (NM_001142301.1); c.2774A>T (NM_153704.5); short protein forms Y925F, Y844F.
Identifiers: ClinVar variation 1500583 (VCV001500583.7), dbSNP rs376103225, ClinGen allele CA371700942.